The following is an entry in ClinVar:

ClinVar aggregate classification (germline): Benign/Likely benign. Review status: criteria provided, multiple submitters, no conflicts (2 of 4 stars). 2 submissions from 2 submitters: Benign (1); Likely benign (1). Last evaluated 2023-08-30.

Conditions:
Brain small vessel disease 2A, autosomal dominant. Also called: Porencephaly 2. Identifiers: Orphanet 2940, Orphanet 99810, MedGen C3280970, MONDO:0013773, OMIM 614483.

Allele frequency attached by ClinVar (database versions not stated): gnomAD 0.00001 and 0.00004; TOPMed 0.00001; gnomAD exomes 0.00003 and 0.00006; ExAC 0.00004.
gnomAD v4.1: 42 of 1,537,680 alleles (0.0027%); highest among the groups gnomAD compares: South Asian, 0.039%; no homozygotes.

Submissions (2):

Labcorp Genetics (formerly Invitae), Labcorp
Classification: Likely benign. Last evaluated: 2023-08-30. Review status: criteria provided, single submitter. Criteria: Invitae Variant Classification Sherloc (09022015). Collection method: clinical testing. Allele origin: germline.

Illumina Laboratory Services, Illumina
Classification: Benign for Brain small vessel disease 2A, autosomal dominant. Last evaluated: 2018-01-13. Review status: criteria provided, single submitter. Criteria: ICSL Variant Classification Criteria 13 December 2019. Collection method: clinical testing. Allele origin: germline.
Comment: This variant was observed in the ICSL laboratory as part of a predisposition screen in an ostensibly healthy population. It had not been previously curated by ICSL or reported in the Human Gene Mutation Database (HGMD: prior to June 1st, 2018), and was therefore a candidate for classification through an automated scoring system. Utilizing variant allele frequency, disease prevalence and penetrance estimates, and inheritance mode, an automated score was calculated to assess if this variant is too frequent to cause the disease. Based on the score and internal cut-off values, a variant classified as benign is not then subjected to further curation. The score for this variant resulted in a classification of benign for this disease.

NM_001846.4(COL4A2):c.468C>T (p.Thr156=)

Gene: COL4A2 (collagen type IV alpha 2 chain; plus strand). Cytogenetic location: 13q34.
Variant type: single nucleotide variant.
Coding change: c.468C>T on transcript NM_001846.4 (MANE Select); coding-DNA position 468, C replaced by T.
Protein change: p.Thr156=; no amino-acid change (threonine 156 retained).
Molecular consequence: synonymous variant.
Genome position (GRCh38, 1-based): chr13:110,428,574, C>T. VCF-style: chr13-110428574-C-T. GRCh37 (hg19) VCF-style: chr13-111080921-C-T.
Identifiers: ClinVar variation 311102 (VCV000311102.8), dbSNP rs765157156, ClinGen allele CA7048902.